The following is an entry in ClinVar:

NM_001278116.2(L1CAM):c.351C>T (p.Ser117=)

Gene: L1CAM (L1 cell adhesion molecule; minus strand). Cytogenetic location: Xq28.
Variant type: single nucleotide variant.
Coding change: c.351C>T on transcript NM_001278116.2 (MANE Select); coding-DNA position 351, C replaced by T.
Protein change: p.Ser117=; no amino-acid change (serine 117 retained).
Molecular consequence: synonymous variant.
Genome position (GRCh38, 1-based): chrX:153,872,201, G>A on the plus strand (C>T on the coding strand, the complement: L1CAM is on the minus strand). VCF-style: chrX-153872201-G-A. GRCh37 (hg19) VCF-style: chrX-153137656-G-A.
Other names: c.351C>T (NM_000425.4); c.351C>T, p.Ser117= (NM_000425.5, NM_024003.3); c.336C>T, p.Ser112= (NM_001143963.2).
Identifiers: ClinVar variation 2721081 (VCV002721081.25), dbSNP rs782075996, ClinGen allele CA10554612.

ClinVar aggregate classification (germline): Benign/Likely benign. Review status: criteria provided, multiple submitters, no conflicts (2 of 4 stars). 4 submissions from 4 submitters: Benign (1); Likely benign (2). 1 of the submissions does not count toward it. Last evaluated 2025-12-28.

Conditions:
L1CAM-related disorder. Also called: L1CAM-related condition.
Spastic paraplegia. Identifiers: MedGen C0037772, HP:0001258.

Allele frequency attached by ClinVar (database versions not stated): ExAC 0.00009; TOPMed 0.00010; gnomAD 0.00014; gnomAD exomes 0.00020.
gnomAD v4.1: 223 of 1,207,016 alleles (0.018%); highest among the groups gnomAD compares: Non-Finnish European, 0.024%; no homozygotes.

Submissions (4):

Labcorp Genetics (formerly Invitae), Labcorp
Classification: Benign for Spastic paraplegia. Last evaluated: 2025-12-28. Review status: criteria provided, single submitter. Criteria: Invitae Variant Classification Sherloc (09022015). Collection method: clinical testing. Allele origin: germline.

CeGaT Center for Human Genetics Tuebingen
Classification: Likely benign. Last evaluated: 2024-04-01. Review status: criteria provided, single submitter. Criteria: CeGaT Center For Human Genetics Tuebingen Variant Classification Criteria Version 2. Collection method: clinical testing. Allele origin: germline. Affected: yes. Observed: 1 variant allele.
Comment: L1CAM: BS2

Blueprint Genetics
Classification: Likely benign. Last evaluated: 2019-09-25. Review status: criteria provided, single submitter. Criteria: ACMG Guidelines, 2015. Collection method: clinical testing. Allele origin: germline.

PreventionGenetics, part of Exact Sciences
Classification: Likely benign for L1CAM-related condition. Last evaluated: 2019-08-28. Review status: no assertion criteria provided. Collection method: clinical testing. Allele origin: germline. Not counted in ClinVar's aggregate classification.
Comment: This variant is classified as likely benign based on ACMG/AMP sequence variant interpretation guidelines (Richards et al. 2015 PMID: 25741868, with internal and published modifications).